The following is an entry in ClinVar:

ClinVar aggregate classification (germline): Uncertain significance (1 of 4 stars; one submission).

Conditions:
Cowden syndrome 6 (CWS6). Identifiers: Orphanet 201, MedGen C3554519, MONDO:0014048, OMIM 615109.

Submission:

Labcorp Genetics (formerly Invitae), Labcorp
Classification: Uncertain significance for Cowden syndrome 6. Last evaluated: 2025-05-19. Review status: criteria provided, single submitter. Criteria: Invitae Variant Classification Sherloc (09022015). Collection method: clinical testing. Allele origin: germline.
Comment: This sequence change falls in intron 3 of the AKT1 gene. It does not directly change the encoded amino acid sequence of the AKT1 protein. It affects a nucleotide within the consensus splice site. This variant is not present in population databases (gnomAD no frequency). This variant has not been reported in the literature in individuals affected with AKT1-related conditions. ClinVar contains an entry for this variant (Variation ID: 639437). Variants that disrupt the consensus splice site are a relatively common cause of aberrant splicing (PMID: 17576681, 9536098). Algorithms developed to predict the effect of sequence changes on RNA splicing suggest that this variant may disrupt the consensus splice site. In summary, the available evidence is currently insufficient to determine the role of this variant in disease. Therefore, it has been classified as a Variant of Uncertain Significance.

Literature cited by the submitters: PubMed 17576681; PubMed 9536098.

NM_001382430.1(AKT1):c.176-3C>G

Gene: AKT1 (AKT serine/threonine kinase 1; minus strand). Cytogenetic location: 14q32.33.
Variant type: single nucleotide variant.
Coding change: c.176-3C>G on transcript NM_001382430.1 (MANE Select); 3 bases into the intron before coding-DNA position 176, C replaced by G.
Molecular consequence: intron variant.
Genome position (GRCh38, 1-based): chr14:104,776,773, G>C on the plus strand (C>G on the coding strand, the complement: AKT1 is on the minus strand). VCF-style: chr14-104776773-G-C. GRCh37 (hg19) VCF-style: chr14-105243110-G-C.
Other names: c.176-3C>G (NM_001014431.2, NM_001014432.2, NM_001382433.1 and 3 more transcripts).
Identifiers: ClinVar variation 639437 (VCV000639437.8), dbSNP rs1401652672, ClinGen allele CA915946436.